The following is an entry in ClinVar:

ClinVar aggregate classification (germline): Uncertain significance (1 of 4 stars; one submission).

Submission:

Labcorp Genetics (formerly Invitae), Labcorp
Classification: Uncertain significance. Last evaluated: 2024-04-04. Review status: criteria provided, single submitter. Criteria: Invitae Variant Classification Sherloc (09022015). Collection method: clinical testing. Allele origin: germline.
Comment: This sequence change replaces lysine, which is basic and polar, with threonine, which is neutral and polar, at codon 75 of the CFD protein (p.Lys75Thr). This variant is present in population databases (no rsID available, gnomAD 0.003%). This variant has not been reported in the literature in individuals affected with CFD-related conditions. An algorithm developed to predict the effect of missense changes on protein structure and function (PolyPhen-2) suggests that this variant¬†is likely to be tolerated. In summary, the available evidence is currently insufficient to determine the role of this variant in disease. Therefore, it has been classified as a Variant of Uncertain Significance.

NM_001928.4(CFD):c.224A>C (p.Lys75Thr)

Gene: CFD (complement factor D; plus strand). Cytogenetic location: 19p13.3.
Variant type: single nucleotide variant.
Coding change: c.224A>C on transcript NM_001928.4 (MANE Select); coding-DNA position 224, A replaced by C.
Protein change: p.Lys75Thr; replaces lysine 75 with threonine.
Molecular consequence: missense variant.
Genome position (GRCh38, 1-based): chr19:860,872, A>C. VCF-style: chr19-860872-A-C. GRCh37 (hg19) VCF-style: chr19-860872-A-C.
Other names: c.245A>C, p.Lys82Thr (NM_001317335.2); short protein forms K75T, K82T.
Identifiers: ClinVar variation 3617805 (VCV003617805.1).
Genomic context (GRCh38, chr19:860,872, plus strand): 5'-GGTGGGGGGAGTCGGCTGGCACCGACCGCGGACTCCGTCCGGTCCCCAGGGCCGACGGGA[A>C]GGTGCAGGTTCTCCTGGGCGCGCACTCCCTGTCGCAGCCGGAGCCCTCCAAGCGCCTGTA-3'
Protein context (NP_001919.2, residues 65-85): AHCLEDAADG[Lys75Thr]VQVLLGAHSL